The following is an entry in ClinVar:

ClinVar aggregate classification (germline): Likely benign (1 of 4 stars; one submission).

Allele frequency attached by ClinVar (database versions not stated): TOPMed below 0.00001; gnomAD 0.00001; gnomAD exomes below 0.00001; ExAC 0.00001.
gnomAD v4.1: 3 of 1,609,226 alleles (0.00019%); highest among the groups gnomAD compares: African/African-American, 0.0013%; no homozygotes.

Submission:

Laboratory for Molecular Medicine, Mass General Brigham Personalized Medicine
Classification: Likely benign. Last evaluated: 2017-08-23. Review status: criteria provided, single submitter. Criteria: LMM Criteria. Collection method: clinical testing. Allele origin: germline. Observed: 1 variant allele.
Comment: p.Phe1092Phe in exon 26 of OTOF: This variant is not expected to have clinical s ignificance because it does not alter an amino acid residue and is not located w ithin the splice consensus sequence. It has been identified in 1/6000 African ch romosomes by the Exome Aggregation Consortium (ExAC. org; dbSNP rs776668692).

NM_194248.3(OTOF):c.3276C>T (p.Phe1092=)

Gene: OTOF (otoferlin; minus strand). Cytogenetic location: 2p23.3.
Variant type: single nucleotide variant.
Coding change: c.3276C>T on transcript NM_194248.3 (MANE Select); coding-DNA position 3276, C replaced by T.
Protein change: p.Phe1092=; no amino-acid change (phenylalanine 1092 retained).
Molecular consequence: synonymous variant.
Genome position (GRCh38, 1-based): chr2:26,474,525, G>A on the plus strand (C>T on the coding strand, the complement: OTOF is on the minus strand). VCF-style: chr2-26474525-G-A. GRCh37 (hg19) VCF-style: chr2-26697393-G-A.
Other names: c.3276C>T, p.Phe1092= (NM_001287489.2); c.1035C>T, p.Phe345= (NM_004802.4, NM_194323.3); c.1206C>T, p.Phe402= (NM_194322.3).
Identifiers: ClinVar variation 667145 (VCV000667145.4), dbSNP rs776668692, ClinGen allele CA1563612.
Genomic context (GRCh38, chr2:26,474,525, plus strand): 5'-CCCAGCCTCCAGTCCCCAGGCCTCAGCCCCTCTTCCCTGCAGTCCCACCTGCAGCAGCTC[G>A]AAGGCCGCCAGCAGGTCTCCAGCTGTGGCGTTGCCACGGTAGATCTGGTAGTACTCGAGC-3'
Protein context (NP_919224.1, residues 1082-1102): NATAGDLLAA[Phe1092=]ELLQIGPAGK